The following is an entry in ClinVar:

NM_024577.4(SH3TC2):c.3341del (p.Pro1114fs)

Gene: SH3TC2 (SH3 domain and tetratricopeptide repeats 2; minus strand). Cytogenetic location: 5q32.
Variant type: Deletion.
Coding change: c.3341del on transcript NM_024577.4 (MANE Select); coding-DNA position 3341, one base deleted (C; older notation c.3341delC).
Protein change: p.Pro1114fs; shifts the reading frame from proline 1114.
Molecular consequence: frameshift variant.
Genome position (GRCh38, 1-based): chr5:149,008,988, G deleted on the plus strand (C on the coding strand, the reverse complement: SH3TC2 is on the minus strand); the first of 2 consecutive G bases (chr5:149,008,988-149,008,989); deleting either gives the same sequence. VCF-style (leftmost placement, unchanged base first): chr5-149008987-AG-A. GRCh37 (hg19) VCF-style: chr5-148388550-AG-A.
Other names: c.3341delC (NM_024577.3); short protein forms P1114fs.
Identifiers: ClinVar variation 21699 (VCV000021699.4), dbSNP rs80338936, ClinGen allele CA342387.

ClinVar aggregate classification (germline): Pathogenic. Review status: criteria provided, single submitter (1 of 4 stars). 2 submissions from 2 submitters: Pathogenic (1). 1 of the submissions does not count toward it. Last evaluated 2022-05-22.

Conditions:
Charcot-Marie-Tooth disease type 4C (CMT4C). Also called: CMT 4C; Charcot-Marie-Tooth Neuropathy Type 4C (CMT4C); SH3TC2-Related Hereditary Motor and Sensory Neuropathy; CHARCOT-MARIE-TOOTH DISEASE, DEMYELINATING, TYPE 4C; CHARCOT-MARIE-TOOTH DISEASE, DEMYELINATING, AUTOSOMAL RECESSIVE, TYPE 4C. Identifiers: Orphanet 99949, MedGen C1866636, MONDO:0011113, OMIM 601596.

Submissions (2):

3billion
Classification: Pathogenic for Charcot-Marie-Tooth disease type 4C. Last evaluated: 2022-05-22. Review status: criteria provided, single submitter. Criteria: ACMG Guidelines, 2015. Collection method: clinical testing. Allele origin: germline. Affected: yes. Observed: 1 homozygote.
Comment: The variant is not observed in the gnomAD v2.1.1 dataset. Frameshift: predicted to result in a loss or disruption of normal protein function through nonsense-mediated decay (NMD) or protein truncation. Multiple pathogenic variants are reported downstream of the variant. The variant has been reported to be associated with SH3TC2 related disorder (ClinVar ID: VCV000021699 / PMID: 14574644). Therefore, this variant is classified as pathogenic according to the recommendation of ACMG/AMP guideline.

GeneReviews
No classification provided. Condition: Charcot-Marie-Tooth disease type 4C. Review status: no classification provided. Collection method: literature only. Allele origin: unknown. Not counted in ClinVar's aggregate classification.

Literature cited by the submitters: PubMed 14574644 (cited by 3billion and GeneReviews); PubMed 20301514 (cited by GeneReviews); NCBI Bookshelf NBK1340 (cited by GeneReviews).